The following is an entry in ClinVar:

ClinVar aggregate classification (germline): Benign/Likely benign. Review status: criteria provided, multiple submitters, no conflicts (2 of 4 stars). 5 submissions from 5 submitters: Benign (2); Likely benign (2). 1 of the submissions does not count toward it. Last evaluated 2026-01-24.

Conditions:
PHEX-related disorder. Also called: PHEX-related condition.
Familial X-linked hypophosphatemic vitamin D refractory rickets (XLHRD). Also called: X-Linked Hypophosphatemia; Hypophosphatemia, vitamin D-resistant rickets; Vitamin D-resistant rickets, X-linked; Hypophosphatemic Rickets, X-Linked Dominant; HYPOPHOSPHATEMIC VITAMIN D-RESISTANT RICKETS. Identifiers: Orphanet 89936, MedGen C0733682, MONDO:0010619, OMIM 307800.

Allele frequency attached by ClinVar (database versions not stated): gnomAD exomes 0.00019 and 0.00033; ExAC 0.00040; ESP Exome Variant Server 0.00085; gnomAD 0.00101; 1000 Genomes Project 30x 0.00104; 1000 Genomes Project 0.00132; TOPMed 0.00141.

Submissions (5):

Labcorp Genetics (formerly Invitae), Labcorp
Classification: Benign. Last evaluated: 2026-01-24. Review status: criteria provided, single submitter. Criteria: Invitae Variant Classification Sherloc (09022015). Collection method: clinical testing. Allele origin: germline.

Blueprint Genetics
Classification: Likely benign. Last evaluated: 2024-11-14. Review status: criteria provided, single submitter. Criteria: ACMG Guidelines, 2015. Collection method: clinical testing. Allele origin: germline.

Illumina Laboratory Services, Illumina
Classification: Benign for Familial X-linked hypophosphatemic vitamin D refractory rickets. Last evaluated: 2018-01-13. Review status: criteria provided, single submitter. Criteria: ICSL Variant Classification Criteria 13 December 2019. Collection method: clinical testing. Allele origin: germline.
Comment: This variant was observed in the ICSL laboratory as part of a predisposition screen in an ostensibly healthy population. It had not been previously curated by ICSL or reported in the Human Gene Mutation Database (HGMD: prior to June 1st, 2018), and was therefore a candidate for classification through an automated scoring system. Utilizing variant allele frequency, disease prevalence and penetrance estimates, and inheritance mode, an automated score was calculated to assess if this variant is too frequent to cause the disease. Based on the score and internal cut-off values, a variant classified as benign is not then subjected to further curation. The score for this variant resulted in a classification of benign for this disease.

Eurofins Ntd Llc (ga)
Classification: Likely benign. Last evaluated: 2017-01-23. Review status: criteria provided, single submitter. Criteria: EGL Classification Definitions 2015. Collection method: clinical testing. Allele origin: germline. Observed: 1 variant allele, 1 heterozygote.

PreventionGenetics, part of Exact Sciences
Classification: Likely benign for PHEX-related condition. Last evaluated: 2019-08-20. Review status: no assertion criteria provided. Collection method: clinical testing. Allele origin: germline. Not counted in ClinVar's aggregate classification.
Comment: This variant is classified as likely benign based on ACMG/AMP sequence variant interpretation guidelines (Richards et al. 2015 PMID: 25741868, with internal and published modifications).

NM_000444.6(PHEX):c.903C>T (p.Asn301=)

Gene: PHEX (phosphate regulating endopeptidase X-linked; plus strand). Cytogenetic location: Xp22.11.
Variant type: single nucleotide variant.
Coding change: c.903C>T on transcript NM_000444.6 (MANE Select); coding-DNA position 903, C replaced by T.
Protein change: p.Asn301=; no amino-acid change (asparagine 301 retained).
Molecular consequence: synonymous variant.
Genome position (GRCh38, 1-based): chrX:22,097,008, C>T. VCF-style: chrX-22097008-C-T. GRCh37 (hg19) VCF-style: chrX-22115126-C-T.
Other names: c.903C>T, p.Asn301= (NM_001282754.2).
Identifiers: ClinVar variation 499456 (VCV000499456.20), dbSNP rs142755818, ClinGen allele CA10368138.